The following is an entry in ClinVar:

ClinVar aggregate classification (germline): Uncertain significance (1 of 4 stars; one submission).

gnomAD v4.1: 1 of 1,612,626 alleles (0.000062%); highest among the groups gnomAD compares: Non-Finnish European, 0.000085%; no homozygotes.

Submission:

Labcorp Genetics (formerly Invitae), Labcorp
Classification: Uncertain significance. Last evaluated: 2025-10-22. Review status: criteria provided, single submitter. Criteria: Invitae Variant Classification Sherloc (09022015). Collection method: clinical testing. Allele origin: germline.
Comment: This sequence change replaces leucine, which is neutral and non-polar, with valine, which is neutral and non-polar, at codon 1611 of the CLTC protein (p.Leu1611Val). This variant is present in population databases (rs767279098, gnomAD 0.0009%). This variant has not been reported in the literature in individuals affected with CLTC-related conditions. Invitae Evidence Modeling of protein sequence and biophysical properties (such as structural, functional, and spatial information, amino acid conservation, physicochemical variation, residue mobility, and thermodynamic stability) indicates that this missense variant is not expected to disrupt CLTC protein function with a negative predictive value of 80%. In summary, the available evidence is currently insufficient to determine the role of this variant in disease. Therefore, it has been classified as a Variant of Uncertain Significance.

NM_004859.4(CLTC):c.4819T>G (p.Leu1607Val)

Gene: CLTC (clathrin heavy chain; plus strand). Cytogenetic location: 17q23.1.
Variant type: single nucleotide variant.
Coding change: c.4819T>G on transcript NM_004859.4 (MANE Select); coding-DNA position 4819, T replaced by G.
Protein change: p.Leu1607Val; replaces leucine 1607 with valine.
Molecular consequence: missense variant.
Genome position (GRCh38, 1-based): chr17:59,685,800, T>G. VCF-style: chr17-59685800-T-G. GRCh37 (hg19) VCF-style: chr17-57763161-T-G.
Other names: c.4831T>G, p.Leu1611Val (NM_001288653.2); short protein forms L1611V, L1607V.
Identifiers: ClinVar variation 4767167 (VCV004767167.1).
Genomic context (GRCh38, chr17:59,685,800, plus strand): 5'-TGGAGGCACAATATCATGGATTTTGCCATGCCCTATTTCATCCAGGTCATGAAGGAGTAC[T>G]TGACAAAGGTAATGACTCTTCTAAGTGTATTCAGAACTAGTTTCCTTGCATGTAAAATTC-3'
Protein context (NP_004850.1, residues 1597-1617): PYFIQVMKEY[Leu1607Val]TKVDKLDASE